The following is an entry in ClinVar:

NM_000587.4(C7):c.2486G>A (p.Ser829Asn)

Gene: C7 (complement C7; plus strand). Cytogenetic location: 5p13.1.
Variant type: single nucleotide variant.
Coding change: c.2486G>A on transcript NM_000587.4 (MANE Select); coding-DNA position 2486, G replaced by A.
Protein change: p.Ser829Asn; replaces serine 829 with asparagine.
Molecular consequence: missense variant.
Genome position (GRCh38, 1-based): chr5:40,981,527, G>A. VCF-style: chr5-40981527-G-A. GRCh37 (hg19) VCF-style: chr5-40981629-G-A.
Other names: short protein forms S829N.
Identifiers: ClinVar variation 1921883 (VCV001921883.4), dbSNP rs779628333, ClinGen allele CA3250324.
Genomic context (GRCh38, chr5:40,981,527, plus strand): 5'-ACGGCAAGGAGCAGACGATGTCTGAGTGTGAGGCGGGCGCTCTGAGATGCAGAGGGCAGA[G>A]CATCTCTGTCACCAGCATAAGGCCTTGTGCTGCGGAAACCCAGTAGGCTCCTGGAGGCCC-3'
Protein context (NP_000578.2, residues 819-839): EAGALRCRGQ[Ser829Asn]ISVTSIRPCA

ClinVar aggregate classification (germline): Uncertain significance (1 of 4 stars; one submission).

Allele frequency attached by ClinVar (database versions not stated): TOPMed below 0.00001; gnomAD 0.00001; gnomAD exomes 0.00001; ExAC 0.00002.
gnomAD v4.1: 14 of 1,613,648 alleles (0.00087%); highest among the groups gnomAD compares: East Asian, 0.0089%; no homozygotes.

Submission:

Labcorp Genetics (formerly Invitae), Labcorp
Classification: Uncertain significance. Last evaluated: 2022-03-18. Review status: criteria provided, single submitter. Criteria: Invitae Variant Classification Sherloc (09022015). Collection method: clinical testing. Allele origin: germline.
Comment: In summary, the available evidence is currently insufficient to determine the role of this variant in disease. Therefore, it has been classified as a Variant of Uncertain Significance. Algorithms developed to predict the effect of missense changes on protein structure and function (SIFT, PolyPhen-2, Align-GVGD) all suggest that this variant is likely to be tolerated. This variant has not been reported in the literature in individuals affected with C7-related conditions. This variant is present in population databases (rs779628333, gnomAD 0.02%). This sequence change replaces serine, which is neutral and polar, with asparagine, which is neutral and polar, at codon 829 of the C7 protein (p.Ser829Asn).